The following is an entry in ClinVar:

NM_002354.3(EPCAM):c.6G>T (p.Ala2=)

Gene: EPCAM (epithelial cell adhesion molecule; plus strand). Cytogenetic location: 2p21.
Variant type: single nucleotide variant.
Coding change: c.6G>T on transcript NM_002354.3 (MANE Select); coding-DNA position 6, G replaced by T.
Protein change: p.Ala2=; no amino-acid change (alanine 2 retained).
Molecular consequence: synonymous variant.
Genome position (GRCh38, 1-based): chr2:47,369,511, G>T. VCF-style: chr2-47369511-G-T. GRCh37 (hg19) VCF-style: chr2-47596650-G-T.
Identifiers: ClinVar variation 239138 (VCV000239138.16), dbSNP rs374563131, ClinGen allele CA1648798.
Genomic context (GRCh38, chr2:47,369,511, plus strand): 5'-CCCTCCCGCGAGTCCCGGGCCCCTCCCGCGCCCCTCTTCTCGGCGCGCGCGCAGCATGGC[G>T]CCCCCGCAGGTCCTCGCGTTCGGGCTTCTGCTTGCCGCGGCGACGGCGACTTTTGCCGCA-3'
Protein context (NP_002345.2, residues 1-12): M[Ala2=]PPQVLAFGLL

ClinVar aggregate classification (germline): Likely benign. Review status: criteria provided, multiple submitters, no conflicts (2 of 4 stars). 4 submissions from 4 submitters: Likely benign (3). 1 of the submissions does not count toward it. Last evaluated 2023-08-10.

Conditions:
EPCAM-related disorder. Also called: EPCAM-related condition.
Hereditary cancer-predisposing syndrome. Also called: Neoplastic Syndromes, Hereditary; Hereditary Cancer Syndrome; Tumor predisposition; Hereditary neoplastic syndrome. Identifiers: Orphanet 140162, MedGen C0027672, MeSH D009386, MONDO:0015356.

Allele frequency attached by ClinVar (database versions not stated): ESP Exome Variant Server 0.00008; gnomAD 0.00008 and 0.00009; TOPMed 0.00012; 1000 Genomes Project 30x 0.00016.
gnomAD v4.1: 30 of 1,553,906 alleles (0.0019%); highest among the groups gnomAD compares: African/African-American, 0.022%; no homozygotes.

Submissions (4):

Labcorp Genetics (formerly Invitae), Labcorp
Classification: Likely benign. Last evaluated: 2023-08-10. Review status: criteria provided, single submitter. Criteria: Invitae Variant Classification Sherloc (09022015). Collection method: clinical testing. Allele origin: germline.

Ambry Genetics
Classification: Likely benign for Hereditary cancer-predisposing syndrome. Last evaluated: 2022-02-27. Review status: criteria provided, single submitter. Criteria: Ambry Variant Classification Scheme 2023. Collection method: clinical testing. Allele origin: germline.

Blueprint Genetics
Classification: Likely benign. Last evaluated: 2019-11-29. Review status: criteria provided, single submitter. Criteria: ACMG Guidelines, 2015. Collection method: clinical testing. Allele origin: germline.

PreventionGenetics, part of Exact Sciences
Classification: Likely benign for EPCAM-related condition. Last evaluated: 2020-10-05. Review status: no assertion criteria provided. Collection method: clinical testing. Allele origin: germline. Not counted in ClinVar's aggregate classification.
Comment: This variant is classified as likely benign based on ACMG/AMP sequence variant interpretation guidelines (Richards et al. 2015 PMID: 25741868, with internal and published modifications).